The following is an entry in ClinVar:

NM_001365276.2(TNXB):c.6418C>T (p.Arg2140Cys)

Gene: TNXB (tenascin XB; minus strand). Cytogenetic location: 6p21.33.
Variant type: single nucleotide variant.
Coding change: c.6418C>T on transcript NM_001365276.2 (MANE Select); coding-DNA position 6418, C replaced by T.
Protein change: p.Arg2140Cys; replaces arginine 2140 with cysteine.
Molecular consequence: missense variant.
Genome position (GRCh38, 1-based): chr6:32,067,787, G>A on the plus strand (C>T on the coding strand, the complement: TNXB is on the minus strand). VCF-style: chr6-32067787-G-A. GRCh37 (hg19) VCF-style: chr6-32035564-G-A.
Other names: c.6418C>T, p.Arg2140Cys (NM_019105.8); short protein forms R2140C.
Identifiers: ClinVar variation 3327951 (VCV003327951.2).
Genomic context (GRCh38, chr6:32,067,787, plus strand): 5'-TGTACTTGCGCCCAGGCTCCAGGCCCCCCACGGTGACTTCACTCTCCTCGCCCCCAACAC[G>A]CACCACCTGGGGCCGCCCGTCCCTGTCCTTGTACTGCACGGTGAAGGAGTCGAAGCGGCC-3'
Protein context (NP_001352205.1, residues 2130-2150): KDRDGRPQVV[Arg2140Cys]VGGEESEVTV

ClinVar aggregate classification (germline): Uncertain significance (1 of 4 stars; one submission).

Conditions:
Cardiovascular phenotype. Identifiers: MedGen CN230736.

gnomAD v4.1: 39 of 1,613,404 alleles (0.0024%); highest among the groups gnomAD compares: South Asian, 0.0033%; no homozygotes.

Submission:

Ambry Genetics
Classification: Uncertain significance for Cardiovascular phenotype. Last evaluated: 2026-01-12. Review status: criteria provided, single submitter. Criteria: Ambry Variant Classification Scheme 2023. Collection method: clinical testing. Allele origin: germline.
Comment: The p.R2140C variant (also known as c.6418C>T), located in coding exon 17 of the TNXB gene, results from a C to T substitution at nucleotide position 6418. The arginine at codon 2140 is replaced by cysteine, an amino acid with highly dissimilar properties. This amino acid position is conserved. In addition, this alteration is predicted to be tolerated by in silico analysis. Based on the available evidence, the clinical significance of this variant remains unclear.